The following is an entry in ClinVar:

ClinVar aggregate classification (germline): Likely pathogenic (1 of 4 stars; one submission).

Conditions:
Spinocerebellar ataxia, autosomal recessive, with axonal neuropathy 2 (SCAN2). Also called: Ataxia-ocular apraxia-2; Ataxia with Oculomotor Apraxia; ATAXIA-OCULOMOTOR APRAXIA 2; Ataxia with Oculomotor Apraxia Type 2. Identifiers: Orphanet 64753, MedGen C1853761, MONDO:0018996, OMIM 606002.

Submission:

3billion
Classification: Likely pathogenic for Spinocerebellar ataxia, autosomal recessive, with axonal neuropathy 2. Last evaluated: 2024-09-28. Review status: criteria provided, single submitter. Criteria: ACMG Guidelines, 2015. Collection method: clinical testing. Allele origin: germline. Affected: yes.
Comment: The variant is not observed in the gnomAD v4.1.0 dataset. Predicted Consequence/Location: Frameshift: predicted to result in a loss or disruption of normal protein function through nonsense-mediated decay (NMD) or protein truncation. Multiple pathogenic variants are reported downstream of the variant. Therefore, this variant is classified as Likely pathogenic according to the recommendation of ACMG/AMP guideline.

NM_015046.7(SETX):c.5072_5075del (p.Leu1691fs)

Gene: SETX (senataxin; minus strand). Cytogenetic location: 9q34.13.
Variant type: Deletion.
Coding change: c.5072_5075del on transcript NM_015046.7 (MANE Select); coding-DNA positions 5072 to 5075, 4 bases deleted (TTTT; older notation c.5072_5075delTTTT).
Protein change: p.Leu1691fs; shifts the reading frame from leucine 1691.
Molecular consequence: frameshift variant.
Genome position (GRCh38, 1-based): chr9:132,326,523-132,326,526, AAAA deleted on the plus strand (TTTT on the coding strand, the reverse complement: SETX is on the minus strand). VCF-style (leftmost placement, unchanged base first): chr9-132326522-CAAAA-C. GRCh37 (hg19) VCF-style: chr9-135201909-CAAAA-C.
Other names: c.5072_5075del, p.Leu1691fs (NM_001351527.2, NM_001351528.2); short protein forms L1691fs.
Identifiers: ClinVar variation 4291933 (VCV004291933.1).